The following is an entry in ClinVar:

NM_015915.5(ATL1):c.630+7G>A

Gene: ATL1 (atlastin GTPase 1; plus strand). Cytogenetic location: 14q22.1.
Variant type: single nucleotide variant.
Coding change: c.630+7G>A on transcript NM_015915.5 (MANE Select); 7 bases into the intron after coding-DNA position 630, G replaced by A.
Molecular consequence: intron variant.
Genome position (GRCh38, 1-based): chr14:50,595,639, G>A. VCF-style: chr14-50595639-G-A. GRCh37 (hg19) VCF-style: chr14-51062357-G-A.
Other names: p.?; c.630+7G>A (NM_001127713.1, NM_181598.4).
Identifiers: ClinVar variation 136428 (VCV000136428.25), dbSNP rs3759588, ClinGen allele CA289515.

ClinVar aggregate classification (germline): Benign. Review status: criteria provided, multiple submitters, no conflicts (2 of 4 stars). 11 submissions from 10 submitters: Benign (8). 3 of the submissions do not count toward it. Last evaluated 2026-02-03.

Conditions:
ATL1-related disorder. Also called: ATL1-related condition.
Neuropathy, hereditary sensory, type 1D. Identifiers: Orphanet 36386, MedGen C3150972, MONDO:0013381, OMIM 613708.
Hereditary spastic paraplegia 3A (SPG3A). Also called: SPASTIC PARAPLEGIA 3, AUTOSOMAL DOMINANT; FAMILIAL SPASTIC PARAPLEGIA, AUTOSOMAL DOMINANT, 1; SPG3; STRUMPELL DISEASE; Spastic Paraplegia 3A; Spastic paraplegia 3A, autosomal dominant. Identifiers: Orphanet 100984, MedGen C2931355, MONDO:0008437, OMIM 182600.

Allele frequency attached by ClinVar (database versions not stated): ExAC 0.13313; 1000 Genomes Project 0.14936; 1000 Genomes Project 30x 0.15397; gnomAD 0.17108 and 0.17660; TOPMed 0.17435; ESP Exome Variant Server 0.18999.
gnomAD v4.1: 222,606 of 1,612,016 alleles (14%); highest among the groups gnomAD compares: African/African-American, 28%; 16,779 homozygotes.

Submissions (11):

Labcorp Genetics (formerly Invitae), Labcorp
Classification: Benign for Hereditary spastic paraplegia 3A. Last evaluated: 2026-02-03. Review status: criteria provided, single submitter. Criteria: Invitae Variant Classification Sherloc (09022015). Collection method: clinical testing. Allele origin: germline.

Genome-Nilou Lab
Classification: Benign for Neuropathy, hereditary sensory, type 1D. Last evaluated: 2021-12-05. Review status: criteria provided, single submitter. Criteria: ACMG Guidelines, 2015. Collection method: clinical testing. Allele origin: germline. Affected: no.

Genome-Nilou Lab
Classification: Benign for Hereditary spastic paraplegia 3A. Last evaluated: 2021-12-05. Review status: criteria provided, single submitter. Criteria: ACMG Guidelines, 2015. Collection method: clinical testing. Allele origin: germline. Affected: no.

Athena Diagnostics
Classification: Benign. Last evaluated: 2021-05-24. Review status: criteria provided, single submitter. Criteria: Athena Diagnostics Criteria. Collection method: clinical testing. Allele origin: unknown.

Illumina Laboratory Services, Illumina
Classification: Benign for Hereditary spastic paraplegia 3A. Last evaluated: 2018-01-13. Review status: criteria provided, single submitter. Criteria: ICSL Variant Classification Criteria 13 December 2019. Collection method: clinical testing. Allele origin: germline.
Comment: This variant was observed in the ICSL laboratory as part of a predisposition screen in an ostensibly healthy population. It had not been previously curated by ICSL or reported in the Human Gene Mutation Database (HGMD: prior to June 1st, 2018), and was therefore a candidate for classification through an automated scoring system. Utilizing variant allele frequency, disease prevalence and penetrance estimates, and inheritance mode, an automated score was calculated to assess if this variant is too frequent to cause the disease. Based on the score and internal cut-off values, a variant classified as benign is not then subjected to further curation. The score for this variant resulted in a classification of benign for this disease.

Mayo Clinic Laboratories, Mayo Clinic
Classification: Benign. Last evaluated: 2015-08-21. Review status: criteria provided, single submitter. Criteria: ACMG Guidelines, 2015. Collection method: clinical testing. Allele origin: germline. Observed: 535 variant alleles.

GeneDx
Classification: Benign. Last evaluated: 2013-12-30. Review status: criteria provided, single submitter. Criteria: GeneDx Variant Classification (06012015). Collection method: clinical testing. Allele origin: germline. Affected: yes.
Comment: This variant is considered likely benign or benign based on one or more of the following criteria: it is a conservative change, it occurs at a poorly conserved position in the protein, it is predicted to be benign by multiple in silico algorithms, and/or has population frequency not consistent with disease.

Breakthrough Genomics
Classification: Benign. Review status: criteria provided, single submitter. Criteria: ACMG Guidelines, 2015. Collection method: not provided. Allele origin: germline. Inheritance: Autosomal dominant inheritance. Affected: yes.

PreventionGenetics, part of Exact Sciences
Classification: Benign for ATL1-related condition. Last evaluated: 2020-07-05. Review status: no assertion criteria provided. Collection method: clinical testing. Allele origin: germline. Not counted in ClinVar's aggregate classification.
Comment: This variant is classified as benign based on ACMG/AMP sequence variant interpretation guidelines (Richards et al. 2015 PMID: 25741868, with internal and published modifications).

Clinical Genetics, Academic Medical Center
Classification: Benign. Review status: no assertion criteria provided. Collection method: clinical testing. Allele origin: germline. Affected: yes. Study: VKGL Data-share Consensus. Not counted in ClinVar's aggregate classification.

Joint Genome Diagnostic Labs from Nijmegen and Maastricht, Radboudumc and MUMC+
Classification: Benign. Review status: no assertion criteria provided. Collection method: clinical testing. Allele origin: germline. Affected: yes. Study: VKGL Data-share Consensus. Not counted in ClinVar's aggregate classification.